The following is an entry in ClinVar:

ClinVar aggregate classification (germline): Uncertain significance (1 of 4 stars; one submission).

Submission:

Ambry Genetics
Classification: Uncertain significance. Last evaluated: 2025-04-11. Review status: criteria provided, single submitter. Criteria: Ambry Variant Classification Scheme 2023. Collection method: clinical testing. Allele origin: germline.
Comment: The p.R162L variant (also known as c.485G>T), located in coding exon 1 of the MC1R gene, results from a G to T substitution at nucleotide position 485. The arginine at codon 162 is replaced by leucine, an amino acid with dissimilar properties. This amino acid position is conserved. In addition, this alteration is predicted to be tolerated by in silico analysis. Based on the available evidence, the clinical significance of this variant remains unclear.

NM_002386.4(MC1R):c.485G>T (p.Arg162Leu)

Gene: MC1R (melanocortin 1 receptor; plus strand). Cytogenetic location: 16q24.3.
Variant type: single nucleotide variant.
Coding change: c.485G>T on transcript NM_002386.4 (MANE Select); coding-DNA position 485, G replaced by T.
Protein change: p.Arg162Leu; replaces arginine 162 with leucine.
Molecular consequence: missense variant.
Genome position (GRCh38, 1-based): chr16:89,919,743, G>T. VCF-style: chr16-89919743-G-T. GRCh37 (hg19) VCF-style: chr16-89986151-G-T.
Other names: short protein forms R162L.
Identifiers: ClinVar variation 4052414 (VCV004052414.1).